The following is an entry in ClinVar:

NM_002968.3(SALL1):c.868T>C (p.Ser290Pro)

Gene: SALL1 (spalt like transcription factor 1; minus strand). Cytogenetic location: 16q12.1.
Variant type: single nucleotide variant.
Coding change: c.868T>C on transcript NM_002968.3 (MANE Select); coding-DNA position 868, T replaced by C.
Protein change: p.Ser290Pro; replaces serine 290 with proline.
Molecular consequence: missense variant.
Genome position (GRCh38, 1-based): chr16:51,141,354, A>G on the plus strand (T>C on the coding strand, the complement: SALL1 is on the minus strand). VCF-style: chr16-51141354-A-G. GRCh37 (hg19) VCF-style: chr16-51175265-A-G.
Other names: c.577T>C, p.Ser193Pro (NM_001127892.2); short protein forms S193P, S290P.
Identifiers: ClinVar variation 2415447 (VCV002415447.5), dbSNP rs2506494846, ClinGen allele CA395890546.

ClinVar aggregate classification (germline): Uncertain significance (1 of 4 stars; one submission).

Conditions:
Townes syndrome (TBS). Also called: Townes-Brocks syndrome. Identifiers: Orphanet 857, MedGen C0265246, MeSH C536974, MONDO:0007142.

Allele frequency attached by ClinVar (database versions not stated): gnomAD exomes below 0.00001.
gnomAD v4.1: 1 of 1,613,580 alleles (0.000062%); highest among the groups gnomAD compares: Non-Finnish European, 0.000085%; no homozygotes.

Submission:

Labcorp Genetics (formerly Invitae), Labcorp
Classification: Uncertain significance for Townes syndrome. Last evaluated: 2022-02-17. Review status: criteria provided, single submitter. Criteria: Invitae Variant Classification Sherloc (09022015). Collection method: clinical testing. Allele origin: germline.
Comment: This sequence change replaces serine, which is neutral and polar, with proline, which is neutral and non-polar, at codon 290 of the SALL1 protein (p.Ser290Pro). In summary, the available evidence is currently insufficient to determine the role of this variant in disease. Therefore, it has been classified as a Variant of Uncertain Significance. Algorithms developed to predict the effect of sequence changes on RNA splicing suggest that this variant is not likely to affect RNA splicing. Algorithms developed to predict the effect of missense changes on protein structure and function are either unavailable or do not agree on the potential impact of this missense change (SIFT: "Deleterious"; PolyPhen-2: "Probably Damaging"; Align-GVGD: "Class C0"). This variant has not been reported in the literature in individuals affected with SALL1-related conditions. This variant is not present in population databases (gnomAD no frequency).